The following is an entry in ClinVar:

ClinVar aggregate classification (germline): Uncertain significance (1 of 4 stars; one submission).

gnomAD v4.1: 26 of 1,539,692 alleles (0.0017%); highest among the groups gnomAD compares: Non-Finnish European, 0.002%; no homozygotes.

Submission:

Women's Health and Genetics/Laboratory Corporation of America, LabCorp
Classification: Uncertain significance. Last evaluated: 2025-10-15. Review status: criteria provided, single submitter. Criteria: LabCorp Variant Classification Summary - May 2015. Collection method: clinical testing. Allele origin: germline.
Comment: Variant summary: KMT2B c.1922C>T (p.Ser641Phe) results in a non-conservative amino acid change in the encoded protein sequence. Algorithms developed to predict the effect of missense changes on protein structure and function are either unavailable or do not agree on the potential impact of this missense change. The variant allele was found at a frequency of 1.4e-05 in 145062 control chromosomes. The available data on variant occurrences in the general population are insufficient to allow any conclusion about variant significance. To our knowledge, no occurrence of c.1922C>T in individuals affected with KMT2B-related conditions and no experimental evidence demonstrating its impact on protein function have been reported. No submitters have cited clinical-significance assessments for this variant to ClinVar. Based on the evidence outlined above, the variant was classified as uncertain significance.

NM_014727.3(KMT2B):c.1922C>T (p.Ser641Phe)

Gene: KMT2B (lysine methyltransferase 2B; plus strand). Cytogenetic location: 19q13.12.
Variant type: single nucleotide variant.
Coding change: c.1922C>T on transcript NM_014727.3 (MANE Select); coding-DNA position 1922, C replaced by T.
Protein change: p.Ser641Phe; replaces serine 641 with phenylalanine.
Molecular consequence: missense variant.
Genome position (GRCh38, 1-based): chr19:35,721,269, C>T. VCF-style: chr19-35721269-C-T. GRCh37 (hg19) VCF-style: chr19-36212171-C-T.
Other names: short protein forms S641F.
Identifiers: ClinVar variation 4687271 (VCV004687271.1).